The following is an entry in ClinVar:

NM_014780.5(CUL7):c.861G>A (p.Gly287=)

Gene: CUL7 (cullin 7; minus strand). Cytogenetic location: 6p21.1.
Variant type: single nucleotide variant.
Coding change: c.861G>A on transcript NM_014780.5 (MANE Select); coding-DNA position 861, G replaced by A.
Protein change: p.Gly287=; no amino-acid change (glycine 287 retained).
Molecular consequence: synonymous variant.
Genome position (GRCh38, 1-based): chr6:43,051,340, C>T on the plus strand (G>A on the coding strand, the complement: CUL7 is on the minus strand). VCF-style: chr6-43051340-C-T. GRCh37 (hg19) VCF-style: chr6-43019078-C-T.
Other names: c.957G>A, p.Gly319= (NM_001168370.2, NM_001374872.1); c.861G>A, p.Gly287= (NM_001374873.1, NM_001374874.1).
Identifiers: ClinVar variation 260442 (VCV000260442.46), dbSNP rs61750322, ClinGen allele CA3814283.

ClinVar aggregate classification (germline): Conflicting classifications of pathogenicity. Review status: criteria provided, conflicting classifications (1 of 4 stars). 7 submissions from 7 submitters: Uncertain significance (1); Benign (2); Likely benign (4). Last evaluated 2026-01-25.

Conditions:
3M syndrome 1. Also called: 3-M Syndrome, CUL7-Related. Identifiers: Orphanet 2616, MedGen C2678312, MONDO:0010117, OMIM 273750.

Allele frequency attached by ClinVar (database versions not stated): 1000 Genomes Project 0.00100; 1000 Genomes Project 30x 0.00109; ExAC 0.00133; TOPMed 0.00137; gnomAD 0.00140 and 0.00147; gnomAD exomes 0.00149; ESP Exome Variant Server 0.00169.

Submissions (7):

Labcorp Genetics (formerly Invitae), Labcorp
Classification: Benign. Last evaluated: 2026-01-25. Review status: criteria provided, single submitter. Criteria: Invitae Variant Classification Sherloc (09022015). Collection method: clinical testing. Allele origin: germline.

Blueprint Genetics
Classification: Likely benign. Last evaluated: 2024-11-19. Review status: criteria provided, single submitter. Criteria: ACMG Guidelines, 2015. Collection method: clinical testing. Allele origin: germline.

Women's Health and Genetics/Laboratory Corporation of America, LabCorp
Classification: Benign. Last evaluated: 2024-07-16. Review status: criteria provided, single submitter. Criteria: LabCorp Variant Classification Summary - May 2015. Collection method: clinical testing. Allele origin: germline.

CeGaT Center for Human Genetics Tuebingen
Classification: Likely benign. Last evaluated: 2022-07-01. Review status: criteria provided, single submitter. Criteria: CeGaT Center For Human Genetics Tuebingen Variant Classification Criteria Version 2. Collection method: clinical testing. Allele origin: germline. Affected: yes. Observed: 1 variant allele.
Comment: CUL7: BP4, BP7

Illumina Laboratory Services, Illumina
Classification: Uncertain significance for 3M syndrome 1. Last evaluated: 2018-01-13. Review status: criteria provided, single submitter. Criteria: ICSL Variant Classification Criteria 13 December 2019. Collection method: clinical testing. Allele origin: germline.

Eurofins Ntd Llc (ga)
Classification: Likely benign. Last evaluated: 2016-08-25. Review status: criteria provided, single submitter. Criteria: EGL Classification Definitions 2015. Collection method: clinical testing. Allele origin: germline. Observed: 2 variant alleles, 2 heterozygotes.

PreventionGenetics, part of Exact Sciences
Classification: Likely benign. Review status: criteria provided, single submitter. Criteria: ACMG Guidelines, 2015. Collection method: clinical testing. Allele origin: germline.